The following is an entry in ClinVar:

NM_007294.4(BRCA1):c.2796del (p.Gly933fs)

Gene: BRCA1 (BRCA1 DNA repair associated; minus strand). Cytogenetic location: 17q21.31.
Variant type: Deletion.
Coding change: c.2796del on transcript NM_007294.4 (MANE Select); coding-DNA position 2796, one base deleted (T; older notation c.2796delT).
Protein change: p.Gly933fs; shifts the reading frame from glycine 933.
Molecular consequence: frameshift variant. On other transcripts: intron variant (137).
Genome position (GRCh38, 1-based): chr17:43,092,735, A deleted on the plus strand (T on the coding strand, the reverse complement: BRCA1 is on the minus strand); the first of 2 consecutive A bases (chr17:43,092,735-43,092,736); deleting either gives the same sequence. VCF-style (leftmost placement, unchanged base first): chr17-43092734-CA-C. GRCh37 (hg19) VCF-style: chr17-41244751-CA-C.
Other names: c.2796delT (NM_007294.3); c.2583del, p.Gly862fs (NM_001407571.1, NM_001407853.1, NM_001407894.1 and 9 more transcripts); c.2796del, p.Gly933fs (NM_001407581.1, NM_001407582.1, NM_001407583.1 and 30 more transcripts); c.2793del, p.Gly932fs (NM_001407587.1, NM_001407590.1, NM_001407591.1 and 22 more transcripts); c.2787del, p.Gly930fs (NM_001407646.1, NM_001407647.1); c.2673del, p.Gly892fs (NM_001407648.1, NM_001407664.1, NM_001407665.1 and 19 more transcripts); c.2670del, p.Gly891fs (NM_001407649.1, NM_001407670.1, NM_001407671.1 and 11 more transcripts); c.2718del, p.Gly907fs (NM_001407653.1, NM_001407654.1, NM_001407655.1 and 4 more transcripts); and 42 more; short protein forms G933fs, G886fs, G822fs, G891fs, G906fs, G932fs, G765fs, G845fs.
Identifiers: ClinVar variation 441384 (VCV000441384.7), dbSNP rs1555588942, ClinGen allele CA658653688.

ClinVar aggregate classification (germline): Pathogenic. Review status: reviewed by expert panel (3 of 4 stars). 2 submissions from 2 submitters: Pathogenic (1). 1 of the submissions does not count toward it. Last evaluated 2017-12-15.

Conditions:
Hereditary cancer-predisposing syndrome. Also called: Neoplastic Syndromes, Hereditary; Hereditary neoplastic syndrome; Tumor predisposition; Hereditary Cancer Syndrome. Identifiers: Orphanet 140162, MedGen C0027672, MeSH D009386, MONDO:0015356.
Breast-ovarian cancer, familial, susceptibility to, 1 (BROVCA1). Also called: BRCA1 Hereditary Breast and Ovarian Cancer; OVARIAN CANCER, SUSCEPTIBILITY TO. Identifiers: Orphanet 145, MedGen C2676676, MONDO:0011450, OMIM 604370. Disease mechanism: loss of function.

Submissions (2):

Evidence-based Network for the Interpretation of Germline Mutant Alleles (ENIGMA)
Classification: Pathogenic for Breast-ovarian cancer, familial, susceptibility to, 1. Last evaluated: 2017-12-15. Review status: reviewed by expert panel. Criteria: ENIGMA BRCA1/2 Classification Criteria (2017-06-29). Collection method: curation. Allele origin: germline. Study: ENIGMA.
Comment: Variant allele predicted to encode a truncated non-functional protein.

Ambry Genetics
Classification: Pathogenic for Hereditary cancer-predisposing syndrome. Last evaluated: 2016-06-08. Review status: criteria provided, single submitter. Criteria: Ambry Variant Classification Scheme 2023. Collection method: clinical testing. Allele origin: germline. Not counted in ClinVar's aggregate classification.
Comment: The c.2796delT pathogenic mutation, located in coding exon 9 of the BRCA1 gene, results from a deletion of one nucleotide at nucleotide position 2796, causing a translational frameshift with a predicted alternate stop codon. Since frameshifts are typically deleterious in nature, this alteration is interpreted as a disease-causing mutation (ACMG Recommendations for Standards for Interpretation and Reporting of Sequence Variations. Revision 2007. Genet Med. 2008;10:294).